The following is an entry in ClinVar:

NM_004218.4(RAB11B):c.526G>A (p.Val176Met)

Gene: RAB11B (RAB11B, member RAS oncogene family; plus strand). Cytogenetic location: 19p13.2.
Variant type: single nucleotide variant.
Coding change: c.526G>A on transcript NM_004218.4 (MANE Select); coding-DNA position 526, G replaced by A.
Protein change: p.Val176Met; replaces valine 176 with methionine.
Molecular consequence: missense variant.
Genome position (GRCh38, 1-based): chr19:8,403,427, G>A. VCF-style: chr19-8403427-G-A. GRCh37 (hg19) VCF-style: chr19-8468311-G-A.
Other names: short protein forms V176M.
Identifiers: ClinVar variation 3730592 (VCV003730592.2).

ClinVar aggregate classification (germline): Uncertain significance (1 of 4 stars; one submission).

gnomAD v4.1: 1 of 1,613,628 alleles (0.000062%); highest among the groups gnomAD compares: East Asian, 0.0022%; no homozygotes.

Submission:

Labcorp Genetics (formerly Invitae), Labcorp
Classification: Uncertain significance. Last evaluated: 2024-04-02. Review status: criteria provided, single submitter. Criteria: Invitae Variant Classification Sherloc (09022015). Collection method: clinical testing. Allele origin: germline.
Comment: This sequence change replaces valine, which is neutral and non-polar, with methionine, which is neutral and non-polar, at codon 176 of the RAB11B protein (p.Val176Met). This variant is not present in population databases (gnomAD no frequency). This variant has not been reported in the literature in individuals affected with RAB11B-related conditions. An algorithm developed to predict the effect of missense changes on protein structure and function (PolyPhen-2) suggests that this variant is likely to be disruptive. In summary, the available evidence is currently insufficient to determine the role of this variant in disease. Therefore, it has been classified as a Variant of Uncertain Significance.